The following is an entry in ClinVar:

ClinVar aggregate classification (germline): Uncertain significance (1 of 4 stars; one submission).

Conditions:
Hereditary cancer-predisposing syndrome. Also called: Neoplastic Syndromes, Hereditary; Tumor predisposition; Hereditary neoplastic syndrome; Hereditary Cancer Syndrome. Identifiers: Orphanet 140162, MedGen C0027672, MeSH D009386, MONDO:0015356.

gnomAD v4.1: 3 of 1,613,954 alleles (0.00019%); highest among the groups gnomAD compares: Non-Finnish European, 0.00025%; no homozygotes.

Submission:

Ambry Genetics
Classification: Uncertain significance for Hereditary cancer-predisposing syndrome. Last evaluated: 2023-12-13. Review status: criteria provided, single submitter. Criteria: Ambry Variant Classification Scheme 2023. Collection method: clinical testing. Allele origin: germline.
Comment: The p.L270Q variant (also known as c.809T>A), located in coding exon 4 of the MEN1 gene, results from a T to A substitution at nucleotide position 809. The leucine at codon 270 is replaced by glutamine, an amino acid with dissimilar properties. This amino acid position is conserved. In addition, the in silico prediction for this alteration is inconclusive. Since supporting evidence is limited at this time, the clinical significance of this alteration remains unclear.

NM_001370259.2(MEN1):c.809T>A (p.Leu270Gln)

Gene: MEN1 (menin 1; minus strand). Cytogenetic location: 11q13.1.
Variant type: single nucleotide variant.
Coding change: c.809T>A on transcript NM_001370259.2 (MANE Select); coding-DNA position 809, T replaced by A.
Protein change: p.Leu270Gln; replaces leucine 270 with glutamine.
Molecular consequence: missense variant. On other transcripts: non-coding transcript variant (4).
Genome position (GRCh38, 1-based): chr11:64,807,194, A>T on the plus strand (T>A on the coding strand, the complement: MEN1 is on the minus strand). VCF-style: chr11-64807194-A-T. GRCh37 (hg19) VCF-style: chr11-64574666-A-T.
Other names: c.824T>A, p.Leu275Gln (NM_000244.4, NM_001407145.1, NM_001407150.1 and 5 more transcripts); c.809T>A, p.Leu270Gln (NM_001370251.2, NM_001370260.2, NM_001370261.2 and 7 more transcripts); c.704T>A, p.Leu235Gln (NM_001370262.2, NM_001370263.2, NM_001407148.1 and 2 more transcripts); short protein forms L235Q, L270Q, L275Q.
Identifiers: ClinVar variation 3229110 (VCV003229110.1), dbSNP rs1592647333, ClinGen allele CA381183921.